The following is an entry in ClinVar:

ClinVar aggregate classification (germline): Uncertain significance (1 of 4 stars; one submission).

Allele frequency attached by ClinVar (database versions not stated): gnomAD exomes below 0.00001; gnomAD 0.00001; TOPMed 0.00001.
gnomAD v4.1: 3 of 1,612,816 alleles (0.00019%); highest among the groups gnomAD compares: Non-Finnish European, 0.00025%; no homozygotes.

Submission:

CeGaT Center for Human Genetics Tuebingen
Classification: Uncertain significance. Last evaluated: 2023-03-01. Review status: criteria provided, single submitter. Criteria: CeGaT Center For Human Genetics Tuebingen Variant Classification Criteria Version 2. Collection method: clinical testing. Allele origin: germline. Affected: yes. Observed: 1 variant allele.
Comment: PLEC: PP3

NM_201384.3(PLEC):c.742G>A (p.Glu248Lys)

Gene: PLEC (plectin; minus strand). Cytogenetic location: 8q24.3.
Variant type: single nucleotide variant.
Coding change: c.742G>A on transcript NM_201384.3 (MANE Select); coding-DNA position 742, G replaced by A.
Protein change: p.Glu248Lys; replaces glutamic acid 248 with lysine.
Molecular consequence: missense variant.
Genome position (GRCh38, 1-based): chr8:143,935,094, C>T on the plus strand (G>A on the coding strand, the complement: PLEC is on the minus strand). VCF-style: chr8-143935094-C-T. GRCh37 (hg19) VCF-style: chr8-145009262-C-T.
Other names: c.823G>A, p.Glu275Lys (NM_000445.5, NM_001410941.1); c.700G>A, p.Glu234Lys (NM_201378.4); c.676G>A, p.Glu226Lys (NM_201379.3); c.1153G>A, p.Glu385Lys (NM_201380.4); c.646G>A, p.Glu216Lys (NM_201381.3); c.742G>A, p.Glu248Lys (NM_201382.4); c.754G>A, p.Glu252Lys (NM_201383.3); short protein forms E216K, E226K, E234K, E248K, E252K, E275K, E385K.
Identifiers: ClinVar variation 2658956 (VCV002658956.24), dbSNP rs1183038158, ClinGen allele CA372587302.